The following is an entry in ClinVar:

NM_001165963.4(SCN1A):c.4002+2273_4002+2274insCCTT

Genes: SCN1A (sodium voltage-gated channel alpha subunit 1; minus strand), LOC102724058 (uncharacterized LOC102724058; plus strand). Cytogenetic location: 2q24.3.
Variant type: Insertion.
Coding change: c.4002+2273_4002+2274insCCTT on transcript NM_001165963.4 (MANE Select); bases 2273 to 2274 of the intron after coding-DNA position 4002, CCTT inserted.
Molecular consequence: intron variant.
Genome position: GRCh38 VCF-style: chr2-166007445-T-TAGGA. GRCh37 (hg19) VCF-style: chr2-166863955-T-TAGGA.
Other names: c.3969+2273_3969+2274insCCTT (NM_001353949.2, NM_001353950.2, NM_001353951.2 and 2 more transcripts); c.3918+2273_3918+2274insCCTT (NM_001353958.2, NM_001353957.2, NM_001165964.3); c.4002+2273_4002+2274insCCTT (NM_001202435.3, NM_001353948.2); c.3966+2273_3966+2274insCCTT (NM_001353955.2, NM_001353954.2); c.3915+2273_3915+2274insCCTT (NM_001353960.2); c.1560+2273_1560+2274insCCTT (NM_001353961.2).
Identifiers: ClinVar variation 3654492 (VCV003654492.2).
Genomic context (GRCh38, chr2:166,007,445, plus strand): 5'-TCTGTTTCCCTATCCATTAAGACTTGAGTTCTTTTGAAAAAGAAGGTATTTAAGATTTCC[T>TAGGA]AGGTTAGGAAATTAAAAATACAAATTTAAACACAAATTTTATTTTACCCTAGATATTCAC-3'

ClinVar aggregate classification (germline): Uncertain significance (1 of 4 stars; one submission).

Conditions:
Early-infantile DEE. Also called: Ohtahara syndrome; Early infantile epileptic encephalopathy; Early infantile epileptic encephalopathy with suppression bursts. Identifiers: Orphanet 1934, MedGen C0393706, MONDO:0800491.

Submission:

Labcorp Genetics (formerly Invitae), Labcorp
Classification: Uncertain significance for Early-infantile DEE. Last evaluated: 2025-11-10. Review status: criteria provided, single submitter. Criteria: Invitae Variant Classification Sherloc (09022015). Collection method: clinical testing. Allele origin: germline.
Comment: This sequence change falls in intron 20 of the SCN1A gene. It does not directly change the encoded amino acid sequence of the SCN1A protein. However, this sequence change falls within a region encompassing a cryptic exon in the SCN1A gene, in which variants have been shown to alter splicing (PMID: 30526861, 34107977). This variant is not present in population databases (gnomAD no frequency). This variant has not been reported in the literature in individuals affected with SCN1A-related conditions. ClinVar contains an entry for this variant (Variation ID: 3654492). Algorithms developed to predict the effect of sequence changes on RNA splicing suggest that this variant is not likely to affect RNA splicing. In summary, the available evidence is currently insufficient to determine the role of this variant in disease. Therefore, it has been classified as a Variant of Uncertain Significance.

Literature cited by the submitters: PubMed 30526861; PubMed 34107977.